The following is an entry in ClinVar:

NM_017739.4(POMGNT1):c.237T>G (p.Asp79Glu)

Gene: POMGNT1 (protein O-linked mannose N-acetylglucosaminyltransferase 1 (beta 1,2-); minus strand). Cytogenetic location: 1p34.1.
Variant type: single nucleotide variant.
Coding change: c.237T>G on transcript NM_017739.4 (MANE Select); coding-DNA position 237, T replaced by G.
Protein change: p.Asp79Glu; replaces aspartic acid 79 with glutamic acid.
Molecular consequence: missense variant. On other transcripts: 5 prime UTR variant (1).
Genome position (GRCh38, 1-based): chr1:46,196,848, A>C on the plus strand (T>G on the coding strand, the complement: POMGNT1 is on the minus strand). VCF-style: chr1-46196848-A-C. GRCh37 (hg19) VCF-style: chr1-46662520-A-C.
Other names: c.237T>G, p.Asp79Glu (NM_001243766.2, NM_001410783.1); c.171T>G, p.Asp57Glu (NM_001290129.3); c.-193T>G (NM_001290130.2); short protein forms D57E, D79E.
Identifiers: ClinVar variation 1389245 (VCV001389245.5), dbSNP rs748566125, ClinGen allele CA833810.

ClinVar aggregate classification (germline): Uncertain significance (1 of 4 stars; one submission).

Conditions:
Autosomal recessive limb-girdle muscular dystrophy type 2O. Also called: Limb-Girdle Muscular Dystrophy Type 3C; MUSCULAR DYSTROPHY-DYSTROGLYCANOPATHY (LIMB-GIRDLE), TYPE C, 3; MUSCULAR DYSTROPHY-DYSTROGLYCANOPATHY, LIMB-GIRDLE, POMGNT1-RELATED. Identifiers: Orphanet 206564, MedGen C3150417, MONDO:0013161, OMIM 613157.
Muscular dystrophy-dystroglycanopathy (congenital with impaired intellectual development), type B, 3. Also called: MUSCULAR DYSTROPHY, CONGENITAL, POMGNT1-RELATED; Muscular dystrophy-dystroglycanopathy (congenital with intellectual disability), type B3. Identifiers: MedGen C3150412, MONDO:0013155, OMIM 613151.

Allele frequency attached by ClinVar (database versions not stated): ExAC 0.00001; gnomAD exomes below 0.00001.
gnomAD v4.1: 7 of 1,614,150 alleles (0.00043%); highest among the groups gnomAD compares: Non-Finnish European, 0.00051%; no homozygotes.

Submission:

Labcorp Genetics (formerly Invitae), Labcorp
Classification: Uncertain significance for Autosomal recessive limb-girdle muscular dystrophy type 2O; Muscular dystrophy-dystroglycanopathy (congenital with impaired intellectual development), type B, 3. Last evaluated: 2022-08-09. Review status: criteria provided, single submitter. Criteria: Invitae Variant Classification Sherloc (09022015). Collection method: clinical testing. Allele origin: germline.
Comment: This sequence change replaces aspartic acid, which is acidic and polar, with glutamic acid, which is acidic and polar, at codon 79 of the POMGNT1 protein (p.Asp79Glu). This variant is present in population databases (rs748566125, gnomAD 0.0009%). This variant has not been reported in the literature in individuals affected with POMGNT1-related conditions. ClinVar contains an entry for this variant (Variation ID: 1389245). Algorithms developed to predict the effect of missense changes on protein structure and function output the following: SIFT: "Tolerated"; PolyPhen-2: "Benign"; Align-GVGD: "Class C0". The glutamic acid amino acid residue is found in multiple mammalian species, which suggests that this missense change does not adversely affect protein function. Algorithms developed to predict the effect of sequence changes on RNA splicing suggest that this variant may disrupt the consensus splice site. In summary, the available evidence is currently insufficient to determine the role of this variant in disease. Therefore, it has been classified as a Variant of Uncertain Significance.